The following is an entry in ClinVar:

ClinVar aggregate classification (germline): Conflicting classifications of pathogenicity. Review status: criteria provided, conflicting classifications (1 of 4 stars). 5 submissions from 5 submitters: Uncertain significance (2); Likely benign (2). 1 of the submissions does not count toward it. Last evaluated 2026-01-12.

Conditions:
Menke-Hennekam syndrome 1 (MKHK1). Identifiers: MedGen C5193034, MONDO:0020763, OMIM 618332.
Rubinstein-Taybi syndrome due to CREBBP mutations (RSTS1). Also called: RUBINSTEIN-TAYBI SYNDROME 1, INCOMPLETE; Rubinstein-Taybi syndrome 1; BROAD THUMBS AND GREAT TOES, CHARACTERISTIC FACIES, AND IMPAIRED INTELLECTUAL DEVELOPMENT; RUBINSTEIN SYNDROME; BROAD THUMB-HALLUX SYNDROME; CREBBP-Related Rubinstein-Taybi Syndrome. Identifiers: Orphanet 353277, Orphanet 783, MedGen C4551859, MONDO:0008393, OMIM 180849.
Rubinstein-Taybi syndrome (RSTS). Identifiers: Orphanet 783, MedGen C0035934, MONDO:0019188.
Inborn genetic diseases. Identifiers: MedGen C0950123, MeSH D030342.
CREBBP-related disorder. Also called: CREBBP-related disorders; CREBBP-related condition.

Allele frequency attached by ClinVar (database versions not stated): TOPMed 0.00005; gnomAD 0.00006; ESP Exome Variant Server 0.00008.
gnomAD v4.1: 113 of 1,613,998 alleles (0.007%); highest among the groups gnomAD compares: Admixed American, 0.018%; no homozygotes.

Submissions (5):

Labcorp Genetics (formerly Invitae), Labcorp
Classification: Likely benign for Rubinstein-Taybi syndrome. Last evaluated: 2026-01-12. Review status: criteria provided, single submitter. Criteria: Invitae Variant Classification Sherloc (09022015). Collection method: clinical testing. Allele origin: germline.

Ambry Genetics
Classification: Uncertain significance for Inborn genetic diseases. Last evaluated: 2024-11-25. Review status: criteria provided, single submitter. Criteria: Ambry Variant Classification Scheme 2023. Collection method: clinical testing. Allele origin: germline.

Fulgent Genetics
Classification: Uncertain significance for Rubinstein-Taybi syndrome due to CREBBP mutations; Menke-Hennekam syndrome 1. Last evaluated: 2024-01-10. Review status: criteria provided, single submitter. Criteria: ACMG Guidelines, 2015. Collection method: clinical testing. Allele origin: germline.

Blueprint Genetics
Classification: Likely benign. Last evaluated: 2023-08-11. Review status: criteria provided, single submitter. Criteria: ACMG Guidelines, 2015. Collection method: clinical testing. Allele origin: germline.

PreventionGenetics, part of Exact Sciences
Classification: Uncertain significance for CREBBP-related condition. Last evaluated: 2024-01-23. Review status: no assertion criteria provided. Collection method: clinical testing. Allele origin: germline. Not counted in ClinVar's aggregate classification.
Comment: The CREBBP c.7195C>T variant is predicted to result in the amino acid substitution p.His2399Tyr. To our knowledge, this variant has not been reported in the literature. This variant is reported in 0.0085% of alleles in individuals of Latino descent in gnomAD. At this time, the clinical significance of this variant is uncertain due to the absence of conclusive functional and genetic evidence.

NM_004380.3(CREBBP):c.7195C>T (p.His2399Tyr)

Gene: CREBBP (CREB binding lysine acetyltransferase; minus strand). Cytogenetic location: 16p13.3.
Variant type: single nucleotide variant.
Coding change: c.7195C>T on transcript NM_004380.3 (MANE Select); coding-DNA position 7195, C replaced by T.
Protein change: p.His2399Tyr; replaces histidine 2399 with tyrosine.
Molecular consequence: missense variant.
Genome position (GRCh38, 1-based): chr16:3,727,852, G>A on the plus strand (C>T on the coding strand, the complement: CREBBP is on the minus strand). VCF-style: chr16-3727852-G-A. GRCh37 (hg19) VCF-style: chr16-3777853-G-A.
Other names: c.7081C>T, p.His2361Tyr (NM_001079846.1); c.7195C>T (NM_004380.2); short protein forms H2361Y, H2399Y.
Identifiers: ClinVar variation 2175015 (VCV002175015.9), dbSNP rs369215519, ClinGen allele CA7868936.